The following is an entry in ClinVar:

NM_002890.3(RASA1):c.2294T>G (p.Leu765Arg)

Genes: CCNH (cyclin H; minus strand), RASA1 (RAS p21 protein activator 1; plus strand). Cytogenetic location: 5q14.3.
Variant type: single nucleotide variant.
Coding change: c.2294T>G on transcript NM_002890.3 (MANE Select); coding-DNA position 2294, T replaced by G.
Protein change: p.Leu765Arg; replaces leucine 765 with arginine.
Molecular consequence: missense variant. On other transcripts: intron variant (1).
Genome position (GRCh38, 1-based): chr5:87,376,990, T>G. VCF-style: chr5-87376990-T-G. GRCh37 (hg19) VCF-style: chr5-86672807-T-G.
Other names: c.1763T>G, p.Leu588Arg (NM_022650.3); c.933+18054A>C (NM_001364075.2); short protein forms L588R, L765R.
Identifiers: ClinVar variation 2164892 (VCV002164892.3), dbSNP rs762651124, ClinGen allele CA3335961.

ClinVar aggregate classification (germline): Uncertain significance (1 of 4 stars; one submission).

Conditions:
Capillary malformation-arteriovenous malformation syndrome. Also called: Capillary malformation-arteriovenous malformation. Identifiers: Orphanet 137667, MedGen C1842180, MONDO:0012016.

Allele frequency attached by ClinVar (database versions not stated): ExAC 0.00001; gnomAD exomes below 0.00001.
gnomAD v4.1: 1 of 1,613,804 alleles (0.000062%); highest among the groups gnomAD compares: East Asian, 0.0022%; no homozygotes.

Submission:

Labcorp Genetics (formerly Invitae), Labcorp
Classification: Uncertain significance for Capillary malformation-arteriovenous malformation syndrome. Last evaluated: 2022-06-25. Review status: criteria provided, single submitter. Criteria: Invitae Variant Classification Sherloc (09022015). Collection method: clinical testing. Allele origin: germline.
Comment: In summary, the available evidence is currently insufficient to determine the role of this variant in disease. Therefore, it has been classified as a Variant of Uncertain Significance. Algorithms developed to predict the effect of missense changes on protein structure and function (SIFT, PolyPhen-2, Align-GVGD) all suggest that this variant is likely to be tolerated. This variant has not been reported in the literature in individuals affected with RASA1-related conditions. This variant is present in population databases (rs762651124, gnomAD 0.006%). This sequence change replaces leucine, which is neutral and non-polar, with arginine, which is basic and polar, at codon 765 of the RASA1 protein (p.Leu765Arg).